The following is an entry in ClinVar:

NM_001256071.3(RNF213):c.6169G>A (p.Asp2057Asn)

Gene: RNF213 (ring finger protein 213; plus strand). Cytogenetic location: 17q25.3.
Variant type: single nucleotide variant.
Coding change: c.6169G>A on transcript NM_001256071.3 (MANE Select); coding-DNA position 6169, G replaced by A.
Protein change: p.Asp2057Asn; replaces aspartic acid 2057 with asparagine.
Molecular consequence: missense variant.
Genome position (GRCh38, 1-based): chr17:80,343,311, G>A. VCF-style: chr17-80343311-G-A. GRCh37 (hg19) VCF-style: chr17-78317111-G-A.
Other names: short protein forms D2057N.
Identifiers: ClinVar variation 684683 (VCV000684683.5), dbSNP rs768740459, ClinGen allele CA8820446.

ClinVar aggregate classification (germline): Conflicting classifications of pathogenicity. Review status: criteria provided, conflicting classifications (1 of 4 stars). 3 submissions from 3 submitters: Pathogenic (1); Uncertain significance (1). 1 of the submissions does not count toward it. Last evaluated 2023-06-20.

Conditions:
Atypical coarctation of aorta. Also called: Midaortic syndrome. Identifiers: Orphanet 1456, MedGen C3496579, MONDO:0015446.
Moyamoya disease 2 (MYMY2). Also called: MOYAMOYA DISEASE 2, SUSCEPTIBILITY TO. Identifiers: Orphanet 2573, MedGen C1846689, MONDO:0011784, OMIM 607151.

Allele frequency attached by ClinVar (database versions not stated): gnomAD exomes below 0.00001; ExAC 0.00001.
gnomAD v4.1: 6 of 1,612,118 alleles (0.00037%); highest among the groups gnomAD compares: South Asian, 0.0044%; no homozygotes.

Submissions (3):

Labcorp Genetics (formerly Invitae), Labcorp
Classification: Uncertain significance. Last evaluated: 2023-06-20. Review status: criteria provided, single submitter. Criteria: Invitae Variant Classification Sherloc (09022015). Collection method: clinical testing. Allele origin: germline.
Comment: This sequence change replaces aspartic acid, which is acidic and polar, with asparagine, which is neutral and polar, at codon 2057 of the RNF213 protein (p.Asp2057Asn). This variant is present in population databases (rs768740459, gnomAD 0.003%). This variant has not been reported in the literature in individuals affected with RNF213-related conditions. ClinVar contains an entry for this variant (Variation ID: 684683). An algorithm developed to predict the effect of missense changes on protein structure and function (PolyPhen-2) suggests that this variant is likely to be disruptive. In summary, the available evidence is currently insufficient to determine the role of this variant in disease. Therefore, it has been classified as a Variant of Uncertain Significance.

Mendelics
Classification: Pathogenic for Moyamoya disease 2. Last evaluated: 2022-05-04. Review status: criteria provided, single submitter. Criteria: Mendelics Assertion Criteria 2019. Collection method: clinical testing. Allele origin: germline.

Yale Center for Mendelian Genomics, Yale University
Classification: Likely pathogenic for Midaortic syndrome. Last evaluated: 2018-02-26. Review status: no assertion criteria provided. Collection method: literature only. Allele origin: germline. Affected: yes. Observed: 1 heterozygote. Not counted in ClinVar's aggregate classification.

Literature cited by the submitters: PubMed 29483232 (cited by Yale Center for Mendelian Genomics, Yale University).